The following is an entry in ClinVar:

ClinVar aggregate classification (germline): Uncertain significance (1 of 4 stars; one submission).

Submission:

GeneDx
Classification: Uncertain significance. Last evaluated: 2023-06-22. Review status: criteria provided, single submitter. Criteria: GeneDx Variant Classification Process June 2021. Collection method: clinical testing. Allele origin: germline. Affected: yes.
Comment: Frameshift variant predicted to result in protein truncation, as the last 127 amino acids are replaced with 16 different amino acids in a gene for which loss-of-function is not a known mechanism of disease; Not observed at significant frequency in large population cohorts (gnomAD); Has not been previously published as pathogenic or benign to our knowledge

NM_014165.4(NDUFAF4):c.145del (p.Glu49fs)

Gene: NDUFAF4 (NADH:ubiquinone oxidoreductase complex assembly factor 4; minus strand). Cytogenetic location: 6q16.1.
Variant type: Deletion.
Coding change: c.145del on transcript NM_014165.4 (MANE Select); coding-DNA position 145, one base deleted (G; older notation c.145delG).
Protein change: p.Glu49fs; shifts the reading frame from glutamic acid 49.
Molecular consequence: frameshift variant.
Genome position (GRCh38, 1-based): chr6:96,896,839, C deleted on the plus strand (G on the coding strand, the reverse complement: NDUFAF4 is on the minus strand). VCF-style (leftmost placement, unchanged base first): chr6-96896838-TC-T. GRCh37 (hg19) VCF-style: chr6-97344714-TC-T.
Other names: short protein forms E49fs.
Identifiers: ClinVar variation 3360162 (VCV003360162.1).